The following is an entry in ClinVar:

ClinVar aggregate classification (germline): Benign. Review status: criteria provided, multiple submitters, no conflicts (2 of 4 stars). 11 submissions from 9 submitters: Benign (9). 2 of the submissions do not count toward it. Last evaluated 2026-05-11.

Conditions:
Hereditary von Willebrand disease. Identifiers: Orphanet 903, MedGen C5703318, MONDO:0019565. Inheritance: Autosomal recessive or Autosomal dominant.
von Willebrand disease type 2 (VWD2). Also called: VON WILLEBRAND DISEASE, TYPE 2A/IIE; VON WILLEBRAND DISEASE, TYPE 2CB; VWD, TYPE 2; VON WILLEBRAND DISEASE, TYPE II. Identifiers: Orphanet 166081, Orphanet 903, MedGen C1264040, MONDO:0013304, OMIM 613554.
von Willebrand disease type 3 (VWD3). Also called: Type 3 Von Willebrand's disease; Type 3 VWD; Von Willebrand disease, severe form; V WD3; VON WILLEBRAND DISEASE, TYPE III. Identifiers: Orphanet 166096, MedGen C1264041, MONDO:0010191, OMIM 277480.
von Willebrand disease type 1 (VWD1). Also called: VWD, TYPE 1; VON WILLEBRAND DISEASE, TYPE I. Identifiers: Orphanet 166078, Orphanet 903, MedGen C1264039, MONDO:0008668, OMIM 193400. Inheritance: autosomal recessive or autosomal dominant.

Allele frequency attached by ClinVar (database versions not stated): gnomAD exomes 0.33965 and 0.31353; ESP Exome Variant Server 0.24973; gnomAD 0.26357 and 0.27219; TOPMed 0.27089; 1000 Genomes Project 30x 0.29544; 1000 Genomes Project 0.30331; ExAC 0.33541.
gnomAD v4.1: 498,440 of 1,611,896 alleles (31%); highest among the groups gnomAD compares: East Asian, 57%; 81,704 homozygotes.

Submissions (11):

Women's Health and Genetics/Laboratory Corporation of America, LabCorp
Classification: Benign. Last evaluated: 2026-05-11. Review status: criteria provided, single submitter. Criteria: LabCorp Variant Classification Summary - May 2015. Collection method: clinical testing. Allele origin: germline.

Blueprint Genetics
Classification: Benign. Last evaluated: 2024-11-27. Review status: criteria provided, single submitter. Criteria: ACMG Guidelines, 2015. Collection method: clinical testing. Allele origin: germline.

Genome-Nilou Lab
Classification: Benign for von Willebrand disease type 1. Last evaluated: 2021-12-05. Review status: criteria provided, single submitter. Criteria: ACMG Guidelines, 2015. Collection method: clinical testing. Allele origin: germline. Affected: no.

Genome-Nilou Lab
Classification: Benign for von Willebrand disease type 3. Last evaluated: 2021-12-05. Review status: criteria provided, single submitter. Criteria: ACMG Guidelines, 2015. Collection method: clinical testing. Allele origin: germline. Affected: no.

Genome-Nilou Lab
Classification: Benign for von Willebrand disease type 2. Last evaluated: 2021-12-05. Review status: criteria provided, single submitter. Criteria: ACMG Guidelines, 2015. Collection method: clinical testing. Allele origin: germline. Affected: no.

Illumina Laboratory Services, Illumina
Classification: Benign for von Willebrand disorder. Last evaluated: 2018-01-12. Review status: criteria provided, single submitter. Criteria: ICSL Variant Classification Criteria 13 December 2019. Collection method: clinical testing. Allele origin: germline.
Comment: This variant was observed in the ICSL laboratory as part of a predisposition screen in an ostensibly healthy population. It had not been previously curated by ICSL or reported in the Human Gene Mutation Database (HGMD: prior to June 1st, 2018), and was therefore a candidate for classification through an automated scoring system. Utilizing variant allele frequency, disease prevalence and penetrance estimates, and inheritance mode, an automated score was calculated to assess if this variant is too frequent to cause the disease. Based on the score and internal cut-off values, a variant classified as benign is not then subjected to further curation. The score for this variant resulted in a classification of benign for this disease.

Mayo Clinic Laboratories, Mayo Clinic
Classification: Benign. Last evaluated: 2016-05-26. Review status: criteria provided, single submitter. Criteria: ACMG Guidelines, 2015. Collection method: clinical testing. Allele origin: germline. Observed: 407 variant alleles.

Breakthrough Genomics
Classification: Benign. Review status: criteria provided, single submitter. Criteria: ACMG Guidelines, 2015. Collection method: not provided. Allele origin: germline. Inheritance: Autosomal recessive inheritance. Affected: yes.

PreventionGenetics, part of Exact Sciences
Classification: Benign. Review status: criteria provided, single submitter. Criteria: ACMG Guidelines, 2015. Collection method: clinical testing. Allele origin: germline.

Diagnostic Laboratory, Department of Genetics, University Medical Center Groningen
Classification: Benign. Review status: no assertion criteria provided. Collection method: clinical testing. Allele origin: germline. Affected: yes. Study: VKGL Data-share Consensus. Not counted in ClinVar's aggregate classification.

Joint Genome Diagnostic Labs from Nijmegen and Maastricht, Radboudumc and MUMC+
Classification: Benign. Review status: no assertion criteria provided. Collection method: clinical testing. Allele origin: germline. Affected: yes. Study: VKGL Data-share Consensus. Not counted in ClinVar's aggregate classification.

NM_000552.5(VWF):c.7082-7C>T

Gene: VWF (von Willebrand factor; minus strand). Cytogenetic location: 12p13.31.
Variant type: single nucleotide variant.
Coding change: c.7082-7C>T on transcript NM_000552.5 (MANE Select); 7 bases into the intron before coding-DNA position 7082, C replaced by T.
Molecular consequence: intron variant.
Genome position (GRCh38, 1-based): chr12:5,981,998, G>A on the plus strand (C>T on the coding strand, the complement: VWF is on the minus strand). VCF-style: chr12-5981998-G-A. GRCh37 (hg19) VCF-style: chr12-6091164-G-A.
Other names: p.?; c.7082-7C>T (NM_000552.4).
Identifiers: ClinVar variation 256695 (VCV000256695.16), dbSNP rs216868, ClinGen allele CA6401766.
Genomic context (GRCh38, chr12:5,981,998, plus strand): 5'-GGTGCGGGGGGCAGGAGGGTGGGGACACTCTTTTGCACTCCTCCTTCCTGCAGGCTGAGG[G>A]TAGGACAAGGCCACACTGAGCACTGCGCCCAGCCAGGGCTCGTAAGTATTCAGCTATGCT-3'